The following is an entry in ClinVar:

NM_001267550.2(TTN):c.34786G>A (p.Val11596Met)

Gene: TTN (titin; minus strand). Cytogenetic location: 2q31.2.
Variant type: single nucleotide variant.
Coding change: c.34786G>A on transcript NM_001267550.2 (MANE Select); coding-DNA position 34786, G replaced by A.
Protein change: p.Val11596Met; replaces valine 11596 with methionine.
Molecular consequence: missense variant. On other transcripts: intron variant (3).
Genome position (GRCh38, 1-based): chr2:178,673,633, C>T on the plus strand (G>A on the coding strand, the complement: TTN is on the minus strand). VCF-style: chr2-178673633-C-T. GRCh37 (hg19) VCF-style: chr2-179538360-C-T.
Other names: p.V11222M:GTG>ATG; c.33664G>A, p.Val11222Met (NM_001256850.1); c.30883G>A, p.Val10295Met (NM_133378.4); c.13283-31316G>A (NM_003319.4); c.13859-31316G>A (NM_133437.4); c.13658-31316G>A (NM_133432.3); short protein forms V11222M, V11596M, V10295M.
Identifiers: ClinVar variation 202592 (VCV000202592.14), dbSNP rs794729415, ClinGen allele CA309692.
Genomic context (GRCh38, chr2:178,673,633, plus strand): 5'-GCTTTTAAGAAAGAAAATTAATGGGAAGTTAAAGATATTAATAATGAGGATTTGATATAC[C>T]TTTAGCTGGTGGTGCCTCCACTTTTTTAGGAACAGGAGTAGGTGCTTCAGGTACTGCTTT-3'
Protein context (NP_001254479.2, residues 11586-11606): PKKVEAPPAK[Val11596Met]SKKIPEEKVP

ClinVar aggregate classification (germline): Uncertain significance. Review status: criteria provided, multiple submitters, no conflicts (2 of 4 stars). 2 submissions from 2 submitters: Uncertain significance (2). Last evaluated 2025-06-04.

Conditions:
Dilated cardiomyopathy 1G (CMD1G). Identifiers: Orphanet 154, MedGen C1858763, MONDO:0011400, OMIM 604145.
Autosomal recessive limb-girdle muscular dystrophy type 2J (LGMDR10). Also called: MUSCULAR DYSTROPHY, LIMB-GIRDLE, AUTOSOMAL RECESSIVE 10; Limb-girdle muscular dystrophy, type 2J. Identifiers: Orphanet 140922, MedGen C1837342, MONDO:0012127, OMIM 608807.

gnomAD v4.1: 6 of 1,586,338 alleles (0.00038%); highest among the groups gnomAD compares: Non-Finnish European, 0.00051%; no homozygotes.

Submissions (2):

Labcorp Genetics (formerly Invitae), Labcorp
Classification: Uncertain significance for Dilated cardiomyopathy 1G; Autosomal recessive limb-girdle muscular dystrophy type 2J. Last evaluated: 2025-06-04. Review status: criteria provided, single submitter. Criteria: Invitae Variant Classification Sherloc (09022015). Collection method: clinical testing. Allele origin: germline.
Comment: This sequence change replaces valine, which is neutral and non-polar, with methionine, which is neutral and non-polar, at codon 11596 of the TTN protein (p.Val11596Met). This variant also falls at the last nucleotide of exon 152, which is part of the consensus splice site for this exon. This variant is not present in population databases (gnomAD no frequency). This variant has not been reported in the literature in individuals affected with TTN-related conditions. ClinVar contains an entry for this variant (Variation ID: 202592). Experimental studies and prediction algorithms are not available or were not evaluated, and the functional significance of this variant is currently unknown. Variants that disrupt the consensus splice site are a relatively common cause of aberrant splicing (PMID: 17576681, 9536098). Algorithms developed to predict the effect of sequence changes on RNA splicing suggest that this variant may disrupt the consensus splice site. This variant is located in the I band of TTN (PMID: 25589632). Non-truncating variants in this region may be clinically relevant, but have not been definitively shown to cause cardiomyopathy or neuromuscular disease (PMID: 27493940, 32778822). In summary, the available evidence is currently insufficient to determine the role of this variant in disease. Therefore, it has been classified as a Variant of Uncertain Significance.

GeneDx
Classification: Uncertain significance. Last evaluated: 2013-06-12. Review status: criteria provided, single submitter. Criteria: GeneDx Variant Classification (06012015). Collection method: clinical testing. Allele origin: germline. Affected: yes.
Comment: Missense variants in the TTN gene are considered 'unclassified' if they are not previously reported in the literature and do not have >1% frequency in the population to be considered a polymorphism. Research indicates that truncating mutations in the TTN gene are expected to account for approximately 25% of familial and 18% of sporadic idiopathic DCM; however, truncating variants in the TTN gene have been reported in approximately 3% of reported control alleles. There has been little investigation into non-truncating variants. (Herman D et al. Truncations of titin causing dilated cardiomyopathy. N Eng J Med 366:619-628, 2012) The variant is found in DCM panel(s).

Literature cited by the submitters: PubMed 17576681 (cited by Labcorp Genetics (formerly Invitae), Labcorp); PubMed 9536098 (cited by Labcorp Genetics (formerly Invitae), Labcorp); PubMed 25589632 (cited by Labcorp Genetics (formerly Invitae), Labcorp); PubMed 27493940 (cited by Labcorp Genetics (formerly Invitae), Labcorp); PubMed 32778822 (cited by Labcorp Genetics (formerly Invitae), Labcorp).